The following is an entry in ClinVar:

NM_001361.5(DHODH):c.454G>A (p.Gly152Arg)

Gene: DHODH (dihydroorotate dehydrogenase (quinone); plus strand). Cytogenetic location: 16q22.2.
Variant type: single nucleotide variant.
Coding change: c.454G>A on transcript NM_001361.5 (MANE Select); coding-DNA position 454, G replaced by A.
Protein change: p.Gly152Arg; replaces glycine 152 with arginine.
Molecular consequence: missense variant.
Genome position (GRCh38, 1-based): chr16:72,017,043, G>A. VCF-style: chr16-72017043-G-A. GRCh37 (hg19) VCF-style: chr16-72050942-G-A.
Other names: short protein forms G152R.
Identifiers: ClinVar variation 16803 (VCV000016803.12), dbSNP rs267606766, ClinGen allele CA126899.

ClinVar aggregate classification (germline): Uncertain significance. Review status: criteria provided, single submitter (1 of 4 stars). 2 submissions from 2 submitters: Uncertain significance (1). 1 of the submissions does not count toward it. Last evaluated 2022-06-27.

Conditions:
Miller syndrome (POADS). Also called: Genee-Wiedemann acrofacial dysostosis; GENEE-WIEDEMANN SYNDROME. Identifiers: Orphanet 246, MedGen C0265257, MONDO:0009903, OMIM 263750.

Allele frequency attached by ClinVar (database versions not stated): gnomAD 0.00006 and 0.00005; TOPMed 0.00006; ESP Exome Variant Server 0.00008; gnomAD exomes 0.00008; ExAC 0.00010.
gnomAD v4.1: 229 of 1,613,816 alleles (0.014%); highest among the groups gnomAD compares: Non-Finnish European, 0.018%; no homozygotes.

Submissions (2):

Labcorp Genetics (formerly Invitae), Labcorp
Classification: Uncertain significance. Last evaluated: 2022-06-27. Review status: criteria provided, single submitter. Criteria: Invitae Variant Classification Sherloc (09022015). Collection method: clinical testing. Allele origin: germline.
Comment: In summary, the available evidence is currently insufficient to determine the role of this variant in disease. Therefore, it has been classified as a Variant of Uncertain Significance. Experimental studies have shown that this missense change affects DHODH function (PMID: 22692683, 22967083). Algorithms developed to predict the effect of missense changes on protein structure and function (SIFT, PolyPhen-2, Align-GVGD) all suggest that this variant is likely to be disruptive. ClinVar contains an entry for this variant (Variation ID: 16803). This variant is also known as chr16:70608443 G>R. This missense change has been observed in individual(s) with Miller syndrome (PMID: 19915526, 20220176). It has also been observed to segregate with disease in related individuals. This variant is present in population databases (rs267606766, gnomAD 0.01%). This sequence change replaces glycine, which is neutral and non-polar, with arginine, which is basic and polar, at codon 152 of the DHODH protein (p.Gly152Arg).

OMIM
Classification: Pathogenic for MILLER SYNDROME. Last evaluated: 2010-01-01. Review status: no assertion criteria provided. Collection method: literature only. Allele origin: germline. Not counted in ClinVar's aggregate classification.

Literature cited by the submitters: PubMed 22692683 (cited by Labcorp Genetics (formerly Invitae), Labcorp); PubMed 22967083 (cited by Labcorp Genetics (formerly Invitae), Labcorp); PubMed 19915526 (cited by Labcorp Genetics (formerly Invitae), Labcorp and OMIM); PubMed 20220176 (cited by Labcorp Genetics (formerly Invitae), Labcorp).